The following is an entry in ClinVar:

NM_017999.5(RNF31):c.832C>T (p.Arg278Trp)

Gene: RNF31 (ring finger protein 31; plus strand). Cytogenetic location: 14q12.
Variant type: single nucleotide variant.
Coding change: c.832C>T on transcript NM_017999.5 (MANE Select); coding-DNA position 832, C replaced by T.
Protein change: p.Arg278Trp; replaces arginine 278 with tryptophan.
Molecular consequence: missense variant.
Genome position (GRCh38, 1-based): chr14:24,150,083, C>T. VCF-style: chr14-24150083-C-T. GRCh37 (hg19) VCF-style: chr14-24619292-C-T.
Other names: c.379C>T, p.Arg127Trp (NM_001310332.2); short protein forms R127W, R278W.
Identifiers: ClinVar variation 2705823 (VCV002705823.3), dbSNP rs772700984, ClinGen allele CA7125645.

ClinVar aggregate classification (germline): Uncertain significance (1 of 4 stars; one submission).

Allele frequency attached by ClinVar (database versions not stated): gnomAD exomes 0.00002; ExAC 0.00004; TOPMed 0.00004; gnomAD 0.00001.
gnomAD v4.1: 34 of 1,590,136 alleles (0.0021%); highest among the groups gnomAD compares: Admixed American, 0.015%; no homozygotes.

Submission:

Labcorp Genetics (formerly Invitae), Labcorp
Classification: Uncertain significance. Last evaluated: 2025-12-11. Review status: criteria provided, single submitter. Criteria: Invitae Variant Classification Sherloc (09022015). Collection method: clinical testing. Allele origin: germline.
Comment: This sequence change replaces arginine, which is basic and polar, with tryptophan, which is neutral and slightly polar, at codon 278 of the RNF31 protein (p.Arg278Trp). This variant is present in population databases (rs772700984, gnomAD 0.02%). This variant has not been reported in the literature in individuals affected with RNF31-related conditions. ClinVar contains an entry for this variant (Variation ID: 2705823). An algorithm developed to predict the effect of missense changes on protein structure and function (PolyPhen-2) suggests that this variant is likely to be tolerated. In summary, the available evidence is currently insufficient to determine the role of this variant in disease. Therefore, it has been classified as a Variant of Uncertain Significance.